The following is an entry in ClinVar:

NM_018993.4(RIN2):c.962C>G (p.Thr321Arg)

Gene: RIN2 (Ras and Rab interactor 2; plus strand). Cytogenetic location: 20p11.23.
Variant type: single nucleotide variant.
Coding change: c.962C>G on transcript NM_018993.4 (MANE Select); coding-DNA position 962, C replaced by G.
Protein change: p.Thr321Arg; replaces threonine 321 with arginine.
Molecular consequence: missense variant.
Genome position (GRCh38, 1-based): chr20:19,974,987, C>G. VCF-style: chr20-19974987-C-G. GRCh37 (hg19) VCF-style: chr20-19955631-C-G.
Other names: c.1109C>G, p.Thr370Arg (NM_001242581.2); c.344C>G, p.Thr115Arg (NM_001378238.1); c.962C>G (NM_018993.3); short protein forms T321R, T115R, T370R.
Identifiers: ClinVar variation 1353698 (VCV001353698.9), dbSNP rs753872502, ClinGen allele CA408361317.

ClinVar aggregate classification (germline): Uncertain significance. Review status: criteria provided, multiple submitters, no conflicts (2 of 4 stars). 2 submissions from 2 submitters: Uncertain significance (2). Last evaluated 2025-03-18.

Conditions:
Inborn genetic diseases. Identifiers: MedGen C0950123, MeSH D030342.

Allele frequency attached by ClinVar (database versions not stated): TOPMed below 0.00001; gnomAD 0.00001.
gnomAD v4.1: 4 of 1,612,144 alleles (0.00025%); highest among the groups gnomAD compares: Non-Finnish European, 0.00034%; no homozygotes.

Submissions (2):

Ambry Genetics
Classification: Uncertain significance for Inborn genetic diseases. Last evaluated: 2025-03-18. Review status: criteria provided, single submitter. Criteria: Ambry Variant Classification Scheme 2023. Collection method: clinical testing. Allele origin: germline.

Labcorp Genetics (formerly Invitae), Labcorp
Classification: Uncertain significance. Last evaluated: 2021-05-14. Review status: criteria provided, single submitter. Criteria: Invitae Variant Classification Sherloc (09022015). Collection method: clinical testing. Allele origin: germline.
Comment: In summary, the available evidence is currently insufficient to determine the role of this variant in disease. Therefore, it has been classified as a Variant of Uncertain Significance. Algorithms developed to predict the effect of missense changes on protein structure and function are either unavailable or do not agree on the potential impact of this missense change (SIFT: "Tolerated"; PolyPhen-2: "Not Available"; Align-GVGD: "Class C0"). This variant has not been reported in the literature in individuals with RIN2-related conditions. This variant is not present in population databases (ExAC no frequency). This sequence change replaces threonine with arginine at codon 321 of the RIN2 protein (p.Thr321Arg). The threonine residue is moderately conserved and there is a moderate physicochemical difference between threonine and arginine.